The following is an entry in ClinVar:

ClinVar aggregate classification (germline): Conflicting classifications of pathogenicity. Review status: criteria provided, conflicting classifications (1 of 4 stars). 6 submissions from 6 submitters: Uncertain significance (4); Likely benign (2). Last evaluated 2026-01-19.

Conditions:
Cardiovascular phenotype. Identifiers: MedGen CN230736.
Naxos disease (NXD). Also called: CARDIOMYOPATHY, ARRHYTHMOGENIC RIGHT VENTRICULAR, WITH SKIN, HAIR, AND NAIL ABNORMALITIES; KERATOSIS PALMOPLANTARIS WITH ARRHYTHMOGENIC CARDIOMYOPATHY; MAL DE NAXOS; PALMOPLANTAR KERATODERMA WITH ARRHYTHMOGENIC RIGHT VENTRICULAR CARDIOMYOPATHY AND WOOLLY HAIR; WOOLLY HAIR, PALMOPLANTAR KERATODERMA, AND CARDIAC ABNORMALITIES. Identifiers: Orphanet 34217, MedGen C1832600, MONDO:0011017, OMIM 601214.
Arrhythmogenic right ventricular dysplasia 12. Also called: ARRHYTHMOGENIC RIGHT VENTRICULAR DYSPLASIA, FAMILIAL, 12. Identifiers: MedGen C1969081, MONDO:0012684, OMIM 611528.

Allele frequency attached by ClinVar (database versions not stated): TOPMed 0.00006; gnomAD 0.00010; ESP Exome Variant Server 0.00015.
gnomAD v4.1: 112 of 1,614,074 alleles (0.0069%); highest among the groups gnomAD compares: Non-Finnish European, 0.0086%; no homozygotes.

Submissions (6):

Labcorp Genetics (formerly Invitae), Labcorp
Classification: Uncertain significance for Arrhythmogenic right ventricular dysplasia 12; Naxos disease. Last evaluated: 2026-01-19. Review status: criteria provided, single submitter. Criteria: Invitae Variant Classification Sherloc (09022015). Collection method: clinical testing. Allele origin: germline.
Comment: This sequence change replaces asparagine, which is neutral and polar, with serine, which is neutral and polar, at codon 309 of the JUP protein (p.Asn309Ser). This variant is present in population databases (rs140606359, gnomAD 0.009%). This missense change has been observed in individual(s) with arrhythmogenic cardiomyopathy (PMID: 30802431). ClinVar contains an entry for this variant (Variation ID: 178042). An algorithm developed to predict the effect of missense changes on protein structure and function (PolyPhen-2) suggests that this variant is likely to be tolerated. In summary, the available evidence is currently insufficient to determine the role of this variant in disease. Therefore, it has been classified as a Variant of Uncertain Significance.

Mayo Clinic Laboratories, Mayo Clinic
Classification: Uncertain significance. Last evaluated: 2023-11-29. Review status: criteria provided, single submitter. Criteria: ACMG Guidelines, 2015. Collection method: clinical testing. Allele origin: germline. Observed: 1 variant allele.
Comment: BP4

Ambry Genetics
Classification: Likely benign for Cardiovascular phenotype. Last evaluated: 2023-02-10. Review status: criteria provided, single submitter. Criteria: Ambry Variant Classification Scheme 2023. Collection method: clinical testing. Allele origin: germline.

GeneDx
Classification: Likely benign. Last evaluated: 2019-12-02. Review status: criteria provided, single submitter. Criteria: GeneDx Variant Classification Process June 2021. Collection method: clinical testing. Allele origin: germline. Affected: yes.
Comment: In silico analysis, which includes protein predictors and evolutionary conservation, supports that this variant does not alter protein structure/function; Has not been previously published as pathogenic or benign to our knowledge

Biesecker Lab/Clinical Genomics Section, National Institutes of Health
Classification: Uncertain significance. Last evaluated: 2013-06-24. Review status: criteria provided, single submitter. Criteria: Ng et al. (Circ Cardiovasc Genet. 2013). Collection method: research. Allele origin: unknown. Observed: 1 variant allele. Study: ClinSeq.
Comment: The study set was not selected for affection status in relation to any cancer. Pathogenicity categories were based on literature curation. See Pubmed ID:23861362 for details.

Medical sequencing

Laboratory for Molecular Medicine, Mass General Brigham Personalized Medicine
Classification: Uncertain significance. Last evaluated: 2013-05-30. Review status: criteria provided, single submitter. Criteria: LMM Criteria. Collection method: clinical testing. Allele origin: germline. Observed: 1 variant allele.
Comment: Variant classified as Uncertain Significance - Favor Benign. The Asn309Ser varia nt in JUP has not been reported in individuals with cardiomyopathy, but has been identified in 1/8600 European American chromosomes and 1/4406 African American chromosomes by the NHLBI Exome Sequencing Project (EVS/; dbSNP rs140606359). Asparagine (Asn) at position 309 is not completely con served in evolutionarily distant species with several (medaka, zebrafish, lampre y, and fruitfly) carrying a serine (Ser; this variant) at this position, suggest ing that this change may be tolerated. Additional computational analyses (bioche mical amino acid properties, AlignGVGD, PolyPhen2, and SIFT) also suggest that t his variant may not impact the protein, though this information is not predictiv e enough to rule out pathogenicity. In summary, the presence of this variant in other species suggests that it is more likely benign, but additional information is needed to fully assess its clinical significance.

Literature cited by the submitters: PubMed 30802431 (cited by Labcorp Genetics (formerly Invitae), Labcorp and Mayo Clinic Laboratories, Mayo Clinic); PubMed 23861362 (cited by Mayo Clinic Laboratories, Mayo Clinic and Ambry Genetics).

NM_002230.4(JUP):c.926A>G (p.Asn309Ser)

Gene: JUP (junction plakoglobin; minus strand). Cytogenetic location: 17q21.2.
Variant type: single nucleotide variant.
Coding change: c.926A>G on transcript NM_002230.4 (MANE Select); coding-DNA position 926, A replaced by G.
Protein change: p.Asn309Ser; replaces asparagine 309 with serine.
Molecular consequence: missense variant.
Genome position (GRCh38, 1-based): chr17:41,765,051, T>C on the plus strand (A>G on the coding strand, the complement: JUP is on the minus strand). VCF-style: chr17-41765051-T-C. GRCh37 (hg19) VCF-style: chr17-39921303-T-C.
Other names: c.926A>G, p.Asn309Ser (NM_001352773.2, NM_001352774.2, NM_001352775.2 and 3 more transcripts); short protein forms N309S.
Identifiers: ClinVar variation 178042 (VCV000178042.14), dbSNP rs140606359, ClinGen allele CA181264.